The following is an entry in ClinVar:

NM_000053.4(ATP7B):c.2121+1G>T

Gene: ATP7B (ATPase copper transporting beta; minus strand). Cytogenetic location: 13q14.3.
Variant type: single nucleotide variant.
Coding change: c.2121+1G>T on transcript NM_000053.4 (MANE Select); the canonical splice donor site of the intron after coding-DNA position 2121, G replaced by T.
Molecular consequence: splice donor variant. On other transcripts: intron variant (13).
Genome position (GRCh38, 1-based): chr13:51,960,147, C>A on the plus strand (G>T on the coding strand, the complement: ATP7B is on the minus strand). VCF-style: chr13-51960147-C-A. GRCh37 (hg19) VCF-style: chr13-52534283-C-A.
Other names: c.1870-2540G>T (NM_001406541.1, NM_001005918.3, NM_001406546.1 and 1 more transcripts); c.1870-1603G>T (NM_001406531.1, NM_001406532.1, NM_001406540.1 and 1 more transcripts); c.2121+1G>T (NM_001406527.1, NM_001406537.1, NM_001406521.1 and 17 more transcripts); c.1774-1603G>T (NM_001406543.1); c.1788+1G>T (NM_001243182.2); c.1286-9986G>T (NM_001406548.1); c.2088+1G>T (NM_001406524.1, NM_001406514.1); c.1708-2540G>T (NM_001406547.1, NM_001406545.1); and 3 more.
Identifiers: ClinVar variation 2679803 (VCV002679803.3), dbSNP rs751235573, ClinGen allele CA388023975.

ClinVar aggregate classification (germline): Pathogenic/Likely pathogenic. Review status: criteria provided, multiple submitters, no conflicts (2 of 4 stars). 3 submissions from 3 submitters: Pathogenic (2); Likely pathogenic (1). Last evaluated 2026-01-13.

Conditions:
Wilson disease (WND). Also called: Wilson's disease. Identifiers: Orphanet 905, MedGen C0019202, MONDO:0010200, OMIM 277900. Disease mechanism: loss of function.

Allele frequency attached by ClinVar (database versions not stated): gnomAD exomes below 0.00001.
gnomAD v4.1: 4 of 1,613,658 alleles (0.00025%); highest among the groups gnomAD compares: Non-Finnish European, 0.00034%; no homozygotes.

Submissions (3):

Natera, Inc.
Classification: Pathogenic for Wilson disease. Last evaluated: 2026-01-13. Review status: criteria provided, single submitter. Criteria: Natera Variant Classification Schema (03/2026). Collection method: clinical testing. Allele origin: germline.
Comment: The c.2121+1G>T variant in ATP7B is a canonical splice donor site variant predicted to affect pre-mRNA splicing, which may result in an abnormal transcript and altered protein product. This variant is expected to result in nonsense mediated decay, truncation, or a dysfunctional protein product. This variant is rare in the general population with a frequency below the threshold expected for the associated phenotype(s). This variant has been observed in one or more individuals affected with the associated recessive disease, as either homozygous or compound heterozygous with a second variant (PMID: 23518715). Given the available evidence, this variant is classified as Pathogenic.

All of Us Research Program, National Institutes of Health
Classification: Likely pathogenic for Wilson disease. Last evaluated: 2023-12-18. Review status: criteria provided, single submitter. Criteria: ACMG Guidelines, 2015. Collection method: clinical testing. Allele origin: germline. Inheritance: Autosomal recessive inheritance. Observed: 1 variant allele, 1 heterozygote.
Comment: This variant causes a G to T nucleotide substitution at the +1 position of intron 7 of the ATP7B gene. Splice site prediction tools predict that this variant may have a significant impact on RNA splicing. Although this prediction has not been confirmed in published RNA studies, this variant is expected to result in an absent or disrupted protein product. This variant has been reported in an individual affected with Wilson disease (PMID: 36096368). This variant has not been identified in the general population by the Genome Aggregation Database (gnomAD). A different variant at the same nucleotide position, c.2121+1G>A, has been reported in an individual showing features of Wilson disease (ClinVar variation ID: 1339249). Loss of ATP7B function is a known mechanism of disease. Based on the available evidence, this c.2121+1G>T variant is classified as Likely Pathogenic.

This study involves interpretation of variants in research participants for the purpose of population health screening. Participant phenotype was not available at the time of variant classification. Additional details can be found in publication PMID: 35346344, PMCID: PMC8962531

Baylor Genetics
Classification: Pathogenic for Wilson disease. Last evaluated: 2023-06-02. Review status: criteria provided, single submitter. Criteria: ACMG Guidelines, 2015. Collection method: clinical testing. Allele origin: unknown.

Literature cited by the submitters: PubMed 23518715 (cited by Natera, Inc.); PubMed 36096368 (cited by All of Us Research Program, National Institutes of Health).